The following is an entry in ClinVar:

ClinVar aggregate classification (germline): Uncertain significance (1 of 4 stars; one submission).

Submission:

GeneDx
Classification: Uncertain significance. Last evaluated: 2019-04-23. Review status: criteria provided, single submitter. Criteria: GeneDx Variant Classification Process June 2021. Collection method: clinical testing. Allele origin: germline. Affected: yes.
Comment: Not observed in large population cohorts (Lek et al., 2016); In silico analysis, which includes protein predictors and evolutionary conservation, supports a deleterious effect; Has not been previously published as pathogenic or benign to our knowledge

NM_002335.4(LRP5):c.2378G>T (p.Gly793Val)

Gene: LRP5 (LDL receptor related protein 5; plus strand). Cytogenetic location: 11q13.2.
Variant type: single nucleotide variant.
Coding change: c.2378G>T on transcript NM_002335.4 (MANE Select); coding-DNA position 2378, G replaced by T.
Protein change: p.Gly793Val; replaces glycine 793 with valine.
Molecular consequence: missense variant.
Genome position (GRCh38, 1-based): chr11:68,411,495, G>T. VCF-style: chr11-68411495-G-T. GRCh37 (hg19) VCF-style: chr11-68178963-G-T.
Other names: c.635G>T, p.Gly212Val (NM_001291902.2); short protein forms G212V, G793V.
Identifiers: ClinVar variation 1305510 (VCV001305510.2), dbSNP rs2153167061, ClinGen allele CA381617010.